The following is an entry in ClinVar:

ClinVar aggregate classification (germline): Pathogenic (1 of 4 stars; one submission).

Conditions:
Hereditary diffuse gastric adenocarcinoma (HDGC). Also called: DIFFUSE GASTRIC AND LOBULAR BREAST CANCER SYNDROME. Identifiers: Orphanet 26106, MedGen C1708349, MONDO:0007648, OMIM 137215.

Submission:

Labcorp Genetics (formerly Invitae), Labcorp
Classification: Pathogenic for Hereditary diffuse gastric adenocarcinoma. Last evaluated: 2022-06-23. Review status: criteria provided, single submitter. Criteria: Invitae Variant Classification Sherloc (09022015). Collection method: clinical testing. Allele origin: germline.
Comment: For these reasons, this variant has been classified as Pathogenic. This variant disrupts a region of the CDH1 protein in which other variant(s) (p.Arg732Gln ) have been determined to be pathogenic (Invitae). This suggests that this is a clinically significant region of the protein, and that variants that disrupt it are likely to be disease-causing. This variant has not been reported in the literature in individuals affected with CDH1-related conditions. This variant results in the deletion of exon 14 and part of exon 15 of the CDH1 gene. It is expected to disrupt RNA splicing. Variants that disrupt the donor or acceptor splice site typically lead to a loss of protein function (PMID: 16199547), and loss-of-function variants in CDH1 are known to be pathogenic (PMID: 15235021, 20373070).

Literature cited by the submitters: PubMed 16199547; PubMed 15235021; PubMed 20373070.

NC_000016.9:g.(?_68861950)_(68863561_?)del

Gene: CDH1 (cadherin 1; plus strand). Cytogenetic location: 16q22.1.
Variant type: Deletion.
Identifiers: ClinVar variation 2425083 (VCV002425083.5).